The following is an entry in ClinVar:

NM_004958.4(MTOR):c.2943C>T (p.Ser981=)

Gene: MTOR (mechanistic target of rapamycin kinase; minus strand). Cytogenetic location: 1p36.22.
Variant type: single nucleotide variant.
Coding change: c.2943C>T on transcript NM_004958.4 (MANE Select); coding-DNA position 2943, C replaced by T.
Protein change: p.Ser981=; no amino-acid change (serine 981 retained).
Molecular consequence: synonymous variant.
Genome position (GRCh38, 1-based): chr1:11,228,755, G>A on the plus strand (C>T on the coding strand, the complement: MTOR is on the minus strand). VCF-style: chr1-11228755-G-A. GRCh37 (hg19) VCF-style: chr1-11288812-G-A.
Other names: c.2943C>T, p.Ser981= (NM_001386500.1); c.1695C>T, p.Ser565= (NM_001386501.1).
Identifiers: ClinVar variation 1656674 (VCV001656674.12), dbSNP rs2100855180, ClinGen allele CA416041781.

ClinVar aggregate classification (germline): Likely benign. Review status: criteria provided, multiple submitters, no conflicts (2 of 4 stars). 2 submissions from 2 submitters: Likely benign (2). Last evaluated 2026-02-01.

Allele frequency attached by ClinVar (database versions not stated): gnomAD exomes below 0.00001.
gnomAD v4.1: 1 of 1,614,132 alleles (0.000062%); highest among the groups gnomAD compares: Non-Finnish European, 0.000085%; no homozygotes.

Submissions (2):

CeGaT Center for Human Genetics Tuebingen
Classification: Likely benign. Last evaluated: 2026-02-01. Review status: criteria provided, single submitter. Criteria: CeGaT Center For Human Genetics Tuebingen Variant Classification Criteria Version 2. Collection method: clinical testing. Allele origin: germline. Affected: yes. Observed: 1 variant allele.
Comment: MTOR: BP4, BP7

Labcorp Genetics (formerly Invitae), Labcorp
Classification: Likely benign. Last evaluated: 2022-08-09. Review status: criteria provided, single submitter. Criteria: Invitae Variant Classification Sherloc (09022015). Collection method: clinical testing. Allele origin: germline.